The following is an entry in ClinVar:

ClinVar aggregate classification (germline): Likely pathogenic (1 of 4 stars; one submission).

Conditions:
Joubert syndrome. Also called: CEREBELLOPARENCHYMAL DISORDER IV; JOUBERT-BOLTSHAUSER SYNDROME; Familial aplasia of the vermis. Identifiers: Orphanet 475, MedGen C5979921, MONDO:0018772.
Meckel-Gruber syndrome. Also called: DYSENCEPHALIA SPLANCHNOCYSTICA; GRUBER SYNDROME; Dysencephalia splachnocystica. Identifiers: Orphanet 564, MedGen C0265215, MONDO:0018921.

Allele frequency attached by ClinVar (database versions not stated): gnomAD exomes below 0.00001.
gnomAD v4.1: 1 of 1,608,696 alleles (0.000062%); highest among the groups gnomAD compares: Admixed American, 0.0017%; no homozygotes.

Submission:

Labcorp Genetics (formerly Invitae), Labcorp
Classification: Likely pathogenic for Joubert syndrome; Meckel-Gruber syndrome. Last evaluated: 2022-08-08. Review status: criteria provided, single submitter. Criteria: Invitae Variant Classification Sherloc (09022015). Collection method: clinical testing. Allele origin: germline.
Comment: This variant is not present in population databases (gnomAD no frequency). In summary, the currently available evidence indicates that the variant is pathogenic, but additional data are needed to prove that conclusively. Therefore, this variant has been classified as Likely Pathogenic. Algorithms developed to predict the effect of sequence changes on RNA splicing suggest that this variant may disrupt the consensus splice site. ClinVar contains an entry for this variant (Variation ID: 1349674). Disruption of this splice site has been observed in individual(s) with Meckel-Gruber syndrome (PMID: 23351400). This sequence change affects a donor splice site in intron 16 of the TMEM67 gene. It is expected to disrupt RNA splicing. Variants that disrupt the donor or acceptor splice site typically lead to a loss of protein function (PMID: 16199547), and loss-of-function variants in TMEM67 are known to be pathogenic (PMID: 20232449, 23559409).

Literature cited by the submitters: PubMed 23351400; PubMed 16199547; PubMed 20232449; PubMed 23559409.

NM_153704.6(TMEM67):c.1674+1G>A

Gene: TMEM67 (transmembrane protein 67; plus strand). Cytogenetic location: 8q22.1.
Variant type: single nucleotide variant.
Coding change: c.1674+1G>A on transcript NM_153704.6 (MANE Select); the canonical splice donor site of the intron after coding-DNA position 1674, G replaced by A.
Molecular consequence: splice donor variant.
Genome position (GRCh38, 1-based): chr8:93,793,297, G>A. VCF-style: chr8-93793297-G-A. GRCh37 (hg19) VCF-style: chr8-94805525-G-A.
Other names: c.1431+1G>A (NM_001142301.1).
Identifiers: ClinVar variation 1349674 (VCV001349674.6), dbSNP rs1211156516, ClinGen allele CA371691531.